The following is an entry in ClinVar:

ClinVar aggregate classification (germline): Benign. Review status: criteria provided, multiple submitters, no conflicts (2 of 4 stars). 4 submissions from 4 submitters: Benign (3). 1 of the submissions does not count toward it. Last evaluated 2019-12-31.

Conditions:
XIRP1-related disorder. Also called: XIRP1-related condition.

Allele frequency attached by ClinVar (database versions not stated): gnomAD exomes 0.00229 and 0.00262; ExAC 0.00242; gnomAD 0.00261 and 0.00280; 1000 Genomes Project 0.00020; TOPMed 0.00166; 1000 Genomes Project 30x 0.00031; ESP Exome Variant Server 0.00169.
gnomAD v4.1: 4,157 of 1,613,334 alleles (0.26%); highest among the groups gnomAD compares: Non-Finnish European, 0.29%; 14 homozygotes.

Submissions (4):

Labcorp Genetics (formerly Invitae), Labcorp
Classification: Benign. Last evaluated: 2019-12-31. Review status: criteria provided, single submitter. Criteria: Invitae Variant Classification Sherloc (09022015). Collection method: clinical testing. Allele origin: germline.

Genomic Diagnostic Laboratory, Division of Genomic Diagnostics, Children's Hospital of Philadelphia
Classification: Benign. Last evaluated: 2015-09-18. Review status: criteria provided, single submitter. Criteria: DGD Variant Analysis Guidelines. Collection method: clinical testing. Allele origin: unknown.

Breakthrough Genomics
Classification: Benign. Review status: criteria provided, single submitter. Criteria: ACMG Guidelines, 2015. Collection method: not provided. Allele origin: germline. Inheritance: Unknown mechanism. Affected: yes.

PreventionGenetics, part of Exact Sciences
Classification: Likely benign for XIRP1-related condition. Last evaluated: 2019-03-06. Review status: no assertion criteria provided. Collection method: clinical testing. Allele origin: germline. Not counted in ClinVar's aggregate classification.
Comment: This variant is classified as likely benign based on ACMG/AMP sequence variant interpretation guidelines (Richards et al. 2015 PMID: 25741868, with internal and published modifications).

NM_194293.4(XIRP1):c.3763C>T (p.Pro1255Ser)

Gene: XIRP1 (xin actin binding repeat containing 1; minus strand). Cytogenetic location: 3p22.2.
Variant type: single nucleotide variant.
Coding change: c.3763C>T on transcript NM_194293.4 (MANE Select); coding-DNA position 3763, C replaced by T.
Protein change: p.Pro1255Ser; replaces proline 1255 with serine.
Molecular consequence: missense variant. On other transcripts: intron variant (2).
Genome position (GRCh38, 1-based): chr3:39,185,683, G>A on the plus strand (C>T on the coding strand, the complement: XIRP1 is on the minus strand). VCF-style: chr3-39185683-G-A. GRCh37 (hg19) VCF-style: chr3-39227174-G-A.
Other names: c.-167-22C>T (NM_001351377.2); c.3358-22C>T (NM_001198621.4); short protein forms P1255S.
Identifiers: ClinVar variation 252806 (VCV000252806.9), dbSNP rs151275736, ClinGen allele CA2325977.